The following is an entry in ClinVar:

ClinVar aggregate classification (germline): Uncertain significance. Review status: criteria provided, multiple submitters, no conflicts (2 of 4 stars). 5 submissions from 5 submitters: Uncertain significance (5). Last evaluated 2026-03-05.

Conditions:
Inborn genetic diseases. Identifiers: MedGen C0950123, MeSH D030342.
FAM161A-related disorder. Also called: FAM161A-related condition.

Allele frequency attached by ClinVar (database versions not stated): TOPMed 0.00006; 1000 Genomes Project 30x 0.00016; ESP Exome Variant Server 0.00017; 1000 Genomes Project 0.00020.
gnomAD v4.1: 156 of 1,607,836 alleles (0.0097%); highest among the groups gnomAD compares: South Asian, 0.016%; no homozygotes.

Submissions (5):

PreventionGenetics, part of Exact Sciences
Classification: Uncertain significance for FAM161A-related condition. Last evaluated: 2026-03-05. Review status: criteria provided, single submitter. Criteria: ACMG Guidelines, 2015. Collection method: clinical testing. Allele origin: germline.
Comment: The FAM161A c.1602G>T variant is predicted to result in the amino acid substitution p.Lys534Asn. To our knowledge, this variant has not been reported in the literature. This variant is reported in 0.020% of alleles in individuals of South Asian descent in gnomAD. At this time, the clinical significance of this variant is uncertain due to the absence of conclusive functional and genetic evidence.

Ambry Genetics
Classification: Uncertain significance for Inborn genetic diseases. Last evaluated: 2025-07-15. Review status: criteria provided, single submitter. Criteria: Ambry Variant Classification Scheme 2023. Collection method: clinical testing. Allele origin: germline.

Labcorp Genetics (formerly Invitae), Labcorp
Classification: Uncertain significance. Last evaluated: 2024-12-02. Review status: criteria provided, single submitter. Criteria: Invitae Variant Classification Sherloc (09022015). Collection method: clinical testing. Allele origin: germline.
Comment: This sequence change replaces lysine, which is basic and polar, with asparagine, which is neutral and polar, at codon 534 of the FAM161A protein (p.Lys534Asn). This variant is present in population databases (rs367777806, gnomAD 0.02%). This variant has not been reported in the literature in individuals affected with FAM161A-related conditions. ClinVar contains an entry for this variant (Variation ID: 808752). An algorithm developed to predict the effect of missense changes on protein structure and function (PolyPhen-2) suggests that this variant is likely to be disruptive. Algorithms developed to predict the effect of sequence changes on RNA splicing suggest that this variant may disrupt the consensus splice site. In summary, the available evidence is currently insufficient to determine the role of this variant in disease. Therefore, it has been classified as a Variant of Uncertain Significance.

Blueprint Genetics
Classification: Uncertain significance. Last evaluated: 2023-06-28. Review status: criteria provided, single submitter. Criteria: ACMG Guidelines, 2015. Collection method: clinical testing. Allele origin: germline.

CeGaT Center for Human Genetics Tuebingen
Classification: Uncertain significance. Last evaluated: 2018-06-01. Review status: criteria provided, single submitter. Criteria: CeGaT Center For Human Genetics Tuebingen Variant Classification Criteria Version 2. Collection method: clinical testing. Allele origin: germline. Affected: yes. Observed: 1 variant allele.

NM_001201543.2(FAM161A):c.1602G>T (p.Lys534Asn)

Gene: FAM161A (FAM161 centrosomal protein A; minus strand). Cytogenetic location: 2p15.
Variant type: single nucleotide variant.
Coding change: c.1602G>T on transcript NM_001201543.2 (MANE Select); coding-DNA position 1602, G replaced by T.
Protein change: p.Lys534Asn; replaces lysine 534 with asparagine.
Molecular consequence: missense variant. On other transcripts: intron variant (1).
Genome position (GRCh38, 1-based): chr2:61,838,687, C>A on the plus strand (G>T on the coding strand, the complement: FAM161A is on the minus strand). VCF-style: chr2-61838687-C-A. GRCh37 (hg19) VCF-style: chr2-62065822-C-A.
Other names: c.1602G>T (NM_001201543.1); c.1583+734G>T (NM_032180.3); short protein forms K534N.
Identifiers: ClinVar variation 808752 (VCV000808752.49), dbSNP rs367777806, ClinGen allele CA1679086.
Genomic context (GRCh38, chr2:61,838,687, plus strand): 5'-TTCTTTCATTCTTTGCTTCTGTTTAGTTAGGATCCGATTTCTCTCTTCTTCCAACATTTT[C>A]TTTTCCTCAAGTGATCTCCTGAGGGTAACAAACTAAGGCTTAATCCACTTTAAGCCAATC-3'
Protein context (NP_001188472.1, residues 524-544): EQAVRRSLEE[Lys534Asn]KMLEEERNRI